The following is an entry in ClinVar:

ClinVar aggregate classification (germline): Uncertain significance. Review status: criteria provided, multiple submitters, no conflicts (2 of 4 stars). 2 submissions from 2 submitters: Uncertain significance (2). Last evaluated 2024-02-26.

Allele frequency attached by ClinVar (database versions not stated): gnomAD exomes below 0.00001.
gnomAD v4.1: 1 of 1,613,598 alleles (0.000062%); highest among the groups gnomAD compares: Non-Finnish European, 0.000085%; no homozygotes.

Submissions (2):

Ambry Genetics
Classification: Uncertain significance. Last evaluated: 2024-02-26. Review status: criteria provided, single submitter. Criteria: Ambry Variant Classification Scheme 2023. Collection method: clinical testing. Allele origin: germline.
Comment: The p.S188P variant (also known as c.562T>C), located in coding exon 6 of the FAM175A gene, results from a T to C substitution at nucleotide position 562. The serine at codon 188 is replaced by proline, an amino acid with similar properties. This amino acid position is conserved. In addition, the in silico prediction for this alteration is inconclusive. Based on the available evidence, the clinical significance of this alteration remains unclear.

Labcorp Genetics (formerly Invitae), Labcorp
Classification: Uncertain significance. Last evaluated: 2022-12-14. Review status: criteria provided, single submitter. Criteria: Invitae Variant Classification Sherloc (09022015). Collection method: clinical testing. Allele origin: germline.
Comment: This variant is present in population databases (no rsID available, gnomAD 0.0009%). In summary, the available evidence is currently insufficient to determine the role of this variant in disease. Therefore, it has been classified as a Variant of Uncertain Significance. Advanced modeling of protein sequence and biophysical properties (such as structural, functional, and spatial information, amino acid conservation, physicochemical variation, residue mobility, and thermodynamic stability) has been performed at Invitae for this missense variant, however the output from this modeling did not meet the statistical confidence thresholds required to predict the impact of this variant on ABRAXAS1 protein function. This variant has not been reported in the literature in individuals affected with ABRAXAS1-related conditions. This sequence change replaces serine, which is neutral and polar, with proline, which is neutral and non-polar, at codon 188 of the ABRAXAS1 protein (p.Ser188Pro).

NM_139076.3(ABRAXAS1):c.562T>C (p.Ser188Pro)

Gene: ABRAXAS1 (abraxas 1, BRCA1 A complex subunit; minus strand). Cytogenetic location: 4q21.23.
Variant type: single nucleotide variant.
Coding change: c.562T>C on transcript NM_139076.3 (MANE Select); coding-DNA position 562, T replaced by C.
Protein change: p.Ser188Pro; replaces serine 188 with proline.
Molecular consequence: missense variant.
Genome position (GRCh38, 1-based): chr4:83,469,066, A>G on the plus strand (T>C on the coding strand, the complement: ABRAXAS1 is on the minus strand). VCF-style: chr4-83469066-A-G. GRCh37 (hg19) VCF-style: chr4-84390219-A-G.
Other names: c.235T>C, p.Ser79Pro (NM_001345962.2); short protein forms S79P, S188P.
Identifiers: ClinVar variation 3003807 (VCV003003807.4), dbSNP rs1229781720, ClinGen allele CA357259469.